The following is an entry in ClinVar:

NM_020806.5(GPHN):c.740T>C (p.Phe247Ser)

Gene: GPHN (gephyrin; plus strand). Cytogenetic location: 14q23.3.
Variant type: single nucleotide variant.
Coding change: c.740T>C on transcript NM_020806.5 (MANE Select); coding-DNA position 740, T replaced by C.
Protein change: p.Phe247Ser; replaces phenylalanine 247 with serine.
Molecular consequence: missense variant. On other transcripts: intron variant (7).
Genome position (GRCh38, 1-based): chr14:66,924,204, T>C. VCF-style: chr14-66924204-T-C. GRCh37 (hg19) VCF-style: chr14-67390921-T-C.
Other names: c.768+1266T>C (NM_001377514.1, NM_001377519.1); c.729+1266T>C (NM_001377515.1, NM_001377516.1, NM_001377518.1 and 2 more transcripts); short protein forms F247S.
Identifiers: ClinVar variation 4749383 (VCV004749383.1).

ClinVar aggregate classification (germline): Uncertain significance (1 of 4 stars; one submission).

Conditions:
Sulfite oxidase deficiency due to molybdenum cofactor deficiency type C. Also called: Molybdenum cofactor deficiency, complementation group C; Molybdenum cofactor deficiency C. Identifiers: Orphanet 308400, Orphanet 833, MedGen C1854990, MONDO:0014212, OMIM 615501.

Submission:

Labcorp Genetics (formerly Invitae), Labcorp
Classification: Uncertain significance for Sulfite oxidase deficiency due to molybdenum cofactor deficiency type C. Last evaluated: 2025-03-06. Review status: criteria provided, single submitter. Criteria: Invitae Variant Classification Sherloc (09022015). Collection method: clinical testing. Allele origin: germline.
Comment: This sequence change replaces phenylalanine, which is neutral and non-polar, with serine, which is neutral and polar, at codon 247 of the GPHN protein (p.Phe247Ser). This variant is not present in population databases (gnomAD no frequency). This variant has not been reported in the literature in individuals affected with GPHN-related conditions. An algorithm developed to predict the effect of missense changes on protein structure and function outputs the following: PolyPhen-2: "Benign". The serine amino acid residue is found in multiple mammalian species, which suggests that this missense change does not adversely affect protein function. In summary, the available evidence is currently insufficient to determine the role of this variant in disease. Therefore, it has been classified as a Variant of Uncertain Significance.